The following is an entry in ClinVar:

ClinVar aggregate classification (germline): Benign. Review status: criteria provided, multiple submitters, no conflicts (2 of 4 stars). 7 submissions from 7 submitters: Benign (6). 1 of the submissions does not count toward it. Last evaluated 2026-02-04.

Conditions:
PCNT-related disorder. Also called: PCNT-related condition.
Microcephalic osteodysplastic primordial dwarfism type II (MOPD2). Also called: Microcephalic osteodysplastic primordial dwarfism with tooth abnormalities; MOPD II; OSTEODYSPLASTIC PRIMORDIAL DWARFISM, TYPE II. Identifiers: Orphanet 2637, MedGen C0432246, MONDO:0008872, OMIM 210720.

Allele frequency attached by ClinVar (database versions not stated): ESP Exome Variant Server 0.10249; gnomAD 0.11315 and 0.11757; TOPMed 0.11389; gnomAD exomes 0.12640 and 0.14149; ExAC 0.14063; 1000 Genomes Project 30x 0.14413; 1000 Genomes Project 0.14657.
gnomAD v4.1: 202,726 of 1,613,908 alleles (13%); highest among the groups gnomAD compares: East Asian, 22%; 13,831 homozygotes.

Submissions (7):

Labcorp Genetics (formerly Invitae), Labcorp
Classification: Benign. Last evaluated: 2026-02-04. Review status: criteria provided, single submitter. Criteria: Invitae Variant Classification Sherloc (09022015). Collection method: clinical testing. Allele origin: germline.

Illumina Laboratory Services, Illumina
Classification: Benign for Microcephalic osteodysplastic primordial dwarfism type II. Last evaluated: 2018-01-12. Review status: criteria provided, single submitter. Criteria: ICSL Variant Classification Criteria 13 December 2019. Collection method: clinical testing. Allele origin: germline.
Comment: This variant was observed in the ICSL laboratory as part of a predisposition screen in an ostensibly healthy population. It had not been previously curated by ICSL or reported in the Human Gene Mutation Database (HGMD: prior to June 1st, 2018), and was therefore a candidate for classification through an automated scoring system. Utilizing variant allele frequency, disease prevalence and penetrance estimates, and inheritance mode, an automated score was calculated to assess if this variant is too frequent to cause the disease. Based on the score and internal cut-off values, a variant classified as benign is not then subjected to further curation. The score for this variant resulted in a classification of benign for this disease.

GeneDx
Classification: Benign. Last evaluated: 2015-03-03. Review status: criteria provided, single submitter. Criteria: GeneDx Variant Classification Process June 2021. Collection method: clinical testing. Allele origin: germline. Affected: yes.

Eurofins Ntd Llc (ga)
Classification: Benign. Last evaluated: 2014-03-12. Review status: criteria provided, single submitter. Criteria: EGL Classification Definitions 2015. Collection method: clinical testing. Allele origin: germline. Observed: 1 variant allele, 1 heterozygote.

Genetic Services Laboratory, University of Chicago
Classification: Benign. Last evaluated: 2013-02-08. Review status: criteria provided, single submitter. Criteria: ACMG Guidelines, 2007. Collection method: clinical testing. Allele origin: germline. Inheritance: Autosomal recessive inheritance.

Breakthrough Genomics
Classification: Benign. Review status: criteria provided, single submitter. Criteria: ACMG Guidelines, 2015. Collection method: not provided. Allele origin: germline. Inheritance: Autosomal recessive inheritance. Affected: yes.

PreventionGenetics, part of Exact Sciences
Classification: Benign for PCNT-related condition. Last evaluated: 2023-01-03. Review status: no assertion criteria provided. Collection method: clinical testing. Allele origin: germline. Not counted in ClinVar's aggregate classification.
Comment: This variant is classified as benign based on ACMG/AMP sequence variant interpretation guidelines (Richards et al. 2015 PMID: 25741868, with internal and published modifications).

NM_006031.6(PCNT):c.8418G>A (p.Ala2806=)

Gene: PCNT (pericentrin; plus strand). Cytogenetic location: 21q22.3.
Variant type: single nucleotide variant.
Coding change: c.8418G>A on transcript NM_006031.6 (MANE Select); coding-DNA position 8418, G replaced by A.
Protein change: p.Ala2806=; no amino-acid change (alanine 2806 retained).
Molecular consequence: synonymous variant.
Genome position (GRCh38, 1-based): chr21:46,431,882, G>A. VCF-style: chr21-46431882-G-A. GRCh37 (hg19) VCF-style: chr21-47851796-G-A.
Other names: c.8064G>A, p.Ala2688= (NM_001315529.2).
Identifiers: ClinVar variation 159673 (VCV000159673.25), dbSNP rs9983522, ClinGen allele CA173123.